The following is an entry in ClinVar:

ClinVar aggregate classification (germline): Uncertain significance (1 of 4 stars; one submission).

Conditions:
Inborn genetic diseases. Identifiers: MedGen C0950123, MeSH D030342.

gnomAD v4.1: 4 of 1,613,526 alleles (0.00025%); highest among the groups gnomAD compares: Admixed American, 0.0017%; no homozygotes.

Submission:

Ambry Genetics
Classification: Uncertain significance for Inborn genetic diseases. Last evaluated: 2024-11-23. Review status: criteria provided, single submitter. Criteria: Ambry Variant Classification Scheme 2023. Collection method: clinical testing. Allele origin: germline.
Comment: The p.R829C variant (also known as c.2485C>T), located in coding exon 21 of the KDM1A gene, results from a C to T substitution at nucleotide position 2485. The arginine at codon 829 is replaced by cysteine, an amino acid with highly dissimilar properties. This amino acid position is conserved. In addition, this alteration is predicted to be deleterious by in silico analysis. Based on the available evidence, the clinical significance of this variant remains unclear.

NM_001009999.3(KDM1A):c.2485C>T (p.Arg829Cys)

Gene: KDM1A (lysine demethylase 1A; plus strand). Cytogenetic location: 1p36.12.
Variant type: single nucleotide variant.
Coding change: c.2485C>T on transcript NM_001009999.3 (MANE Select); coding-DNA position 2485, C replaced by T.
Protein change: p.Arg829Cys; replaces arginine 829 with cysteine.
Molecular consequence: missense variant. On other transcripts: 3 prime UTR variant (1).
Genome position (GRCh38, 1-based): chr1:23,083,218, C>T. VCF-style: chr1-23083218-C-T. GRCh37 (hg19) VCF-style: chr1-23409711-C-T.
Other names: c.2431C>T, p.Arg811Cys (NM_001363654.2); c.2491C>T, p.Arg831Cys (NM_001410762.1); c.*733C>T (NM_001410763.1); c.2413C>T, p.Arg805Cys (NM_015013.4); short protein forms R811C, R831C, R829C, R805C.
Identifiers: ClinVar variation 3532928 (VCV003532928.1).